The following is an entry in ClinVar:

NM_000138.5(FBN1):c.4270C>G (p.Pro1424Ala)

Genes: FBN1 (fibrillin 1; minus strand), LOC126862124 (CDK7 strongly-dependent group 2 enhancer GRCh37_chr15:48764566-48765765; plus strand). Cytogenetic location: 15q21.1.
Variant type: single nucleotide variant.
Coding change: c.4270C>G on transcript NM_000138.5 (MANE Select); coding-DNA position 4270, C replaced by G.
Protein change: p.Pro1424Ala; replaces proline 1424 with alanine.
Molecular consequence: missense variant.
Genome position (GRCh38, 1-based): chr15:48,472,617, G>C on the plus strand (C>G on the coding strand, the complement: FBN1 is on the minus strand). VCF-style: chr15-48472617-G-C. GRCh37 (hg19) VCF-style: chr15-48764814-G-C.
Other names: p.P1424A:CCA>GCA; short protein forms P1424A.
Identifiers: ClinVar variation 42355 (VCV000042355.62), dbSNP rs201273753, ClinGen allele CA014918.

ClinVar aggregate classification (germline): Conflicting classifications of pathogenicity. Review status: criteria provided, conflicting classifications (1 of 4 stars). 26 submissions from 19 submitters: Uncertain significance (11); Benign (6); Likely benign (6). 3 of the submissions do not count toward it. Last evaluated 2026-08-03.

Conditions:
MASS syndrome (OCTD). Also called: MASS PHENOTYPE; OVERLAP CONNECTIVE TISSUE DISEASE. Identifiers: MedGen C1858556, MONDO:0011431, OMIM 604308.
Weill-Marchesani syndrome 2, dominant. Also called: Weill-Marchesani Syndrome, Autosomal Dominant; FBN1-Related Weill-Marchesani Syndrome. Identifiers: Orphanet 2084, MedGen C1869115, MONDO:0012013, OMIM 608328.
Geleophysic dysplasia 2 (GPHYSD2). Identifiers: Orphanet 2623, MedGen C3280054, MONDO:0013612, OMIM 614185.
Progeroid and marfanoid aspect-lipodystrophy syndrome. Also called: MARFANOID-PROGEROID SYNDROME; MARFAN-PROGEROID-LIPODYSTROPHY SYNDROME; Marfan lipodystrophy syndrome; MARFANOID-PROGEROID-LIPODYSTROPHY SYNDROME. Identifiers: Orphanet 300382, MedGen C4310796, MONDO:0014831, OMIM 616914.
Marfan syndrome (MFS). Also called: Marfan syndrome type 1; Marfan's syndrome; MARFAN SYNDROME, TYPE I; Marfan syndrome, classic; FBN1-Related Marfan Syndrome. Identifiers: Orphanet 284963, Orphanet 558, MedGen C0024796, MONDO:0007947, OMIM 154700.
Acromicric dysplasia (ACMICD). Also called: Acromicric skeletal dysplasia. Identifiers: Orphanet 969, MedGen C0265287, MONDO:0007055, OMIM 102370.
Ectopia lentis 1, isolated, autosomal dominant (ECTOL1). Identifiers: Orphanet 1885, MedGen C3541518, MONDO:0007514, OMIM 129600.
Stiff skin syndrome (SSKS). Identifiers: Orphanet 2833, MedGen C1861456, MONDO:0008492, OMIM 184900.
Congenital aneurysm of ascending aorta (AAT1). Also called: Aortic aneurysm, thoracic; Familial thoracic aortic aneurysm; ANNULOAORTIC ECTASIA; AORTIC ANEURYSM, FAMILIAL THORACIC 1. Identifiers: Orphanet 229, MedGen C0345050, MONDO:0024559, OMIM 607086.
Acute aortic dissection. Identifiers: MedGen C0241868.
Weill-Marchesani syndrome. Also called: WM Syndrome; Mesodermal dysmorphodystrophy congenital. Identifiers: Orphanet 3449, MedGen C0265313, MONDO:0018096.
Geleophysic dysplasia. Identifiers: Orphanet 2623, MedGen C3489726, MONDO:0000127.
Familial thoracic aortic aneurysm and aortic dissection (TAAD). Also called: Thoracic aortic aneurysms and dissections. Identifiers: Orphanet 91387, MedGen C4707243, MONDO:0019625.

Allele frequency attached by ClinVar (database versions not stated): ExAC 0.00018; gnomAD exomes 0.00020 and 0.00031; ESP Exome Variant Server 0.00031; gnomAD 0.00031 and 0.00034; TOPMed 0.00059.
gnomAD v4.1: 505 of 1,614,042 alleles (0.031%); highest among the groups gnomAD compares: Admixed American, 0.1%; no homozygotes.

Submissions 1 to 8 of 26:

GeneDx
Classification: Uncertain significance. Last evaluated: 2026-08-03. Review status: criteria provided, single submitter. Criteria: GeneDx Variant Classification Process June 2021. Collection method: clinical testing. Allele origin: germline.
Comment: In silico analysis supports that this missense variant has a deleterious effect on protein structure/function; This variant is associated with the following publications: (PMID: 9399842, 25812041, 25637381, 28655553, 14695540, 19161152, 19293843, 23506379, 24941995, 25944730, 27647783, 27582083, 27153395, 31098894, 12938084, 17657824, 31211626, 16222657, 11524736, 26787436, 11748851, 26621581, 17627385)

Labcorp Genetics (formerly Invitae), Labcorp
Classification: Likely benign for Marfan syndrome; Familial thoracic aortic aneurysm and aortic dissection. Last evaluated: 2026-02-01. Review status: criteria provided, single submitter. Criteria: Invitae Variant Classification Sherloc (09022015). Collection method: clinical testing. Allele origin: germline.

CeGaT Center for Human Genetics Tuebingen
Classification: Likely benign. Last evaluated: 2025-10-01. Review status: criteria provided, single submitter. Criteria: CeGaT Center For Human Genetics Tuebingen Variant Classification Criteria Version 2. Collection method: clinical testing. Allele origin: germline. Affected: yes. Observed: 2 variant alleles.
Comment: FBN1: PM5, BS1, BS2

Women's Health and Genetics/Laboratory Corporation of America, LabCorp
Classification: Likely benign. Last evaluated: 2025-08-18. Review status: criteria provided, single submitter. Criteria: LabCorp Variant Classification Summary - May 2015. Collection method: clinical testing. Allele origin: germline.
Comment: Variant summary: FBN1 c.4270C>G (p.Pro1424Ala) results in a non-conservative amino acid change located in the EGF-like domain (IPR000742) of the encoded protein sequence. Algorithms developed to predict the effect of missense changes on protein structure and function all suggest that this variant is likely to be disruptive. The variant allele was found at a frequency of 0.0002 in 251432 control chromosomes. The observed variant frequency is approximately 1.8 fold of the estimated maximal expected allele frequency for a pathogenic variant in FBN1 causing Marfan Syndrome phenotype (0.00011), strongly suggesting that the variant is benign. c.4270C>G has been reported in the literature in individuals affected with features of or undergoing testing for Marfan Syndrome/familial thoracic aortic aneurysms and dissections. These data do not allow any conclusion about variant significance. To our knowledge, no experimental evidence demonstrating an impact on protein function has been reported. The following publications have been ascertained in the context of this evaluation (PMID: 11748851, 14695540, 12938084, 17657824, 17627385, 19161152, 9399842, 19293843, 23506379, 24941995, 25637381, 27153395, 26787436). ClinVar contains an entry for this variant (Variation ID: 42355). Based on the evidence outlined above, the variant was classified as likely benign.

Ambry Genetics
Classification: Likely benign for Familial thoracic aortic aneurysm and aortic dissection. Last evaluated: 2025-04-11. Review status: criteria provided, single submitter. Criteria: Ambry Variant Classification Scheme 2023. Collection method: clinical testing. Allele origin: germline.

ARUP Laboratories, Molecular Genetics and Genomics, ARUP Laboratories
Classification: Uncertain significance. Last evaluated: 2024-10-07. Review status: criteria provided, single submitter. Criteria: ARUP Molecular Germline Variant Investigation Process 2024. Collection method: clinical testing. Allele origin: germline.
Comment: The FBN1 c.4270C>G; p.Pro1424Ala variant (rs201273753) is reported in the literature in individuals with features of Marfan syndrome (Collod-Beroud 1998, Comeglio 2001, Groth 2016), but has also been reported in an unaffected carrier (Howarth 2007) and in individuals without a related cardiovascular phenotype (Damrauer 2019). Additionally, this variant was reported to be compound heterozygous with a pathogenic FBN1 variant (p.Arg2680Cys) in a family member who did not have an aggravated phenotype compared to another member only carrying the pathogenic p.Arg2680Cys variant (Arnaud 2017). The p.Pro1424Ala variant is reported in ClinVar (Variation ID: 42355). It is observed in the general population with an overall allele frequency of 0.02% (57/282832 alleles) in the Genome Aggregation Database which is higher than expected for this disorder. Computational analyses predict that this variant is deleterious (REVEL: 0.754). Based on currently available information, the clinical significance of the p.Pro1424Ala variant is uncertain at this time. References: Arnaud P et al. Homozygous and compound heterozygous mutations in the FBN1 gene: unexpected findings in molecular diagnosis of Marfan syndrome. J Med Genet. 2017 Feb;54(2):100-103. PMID: 27582083. Collod-Beroud G et al. Marfan Database (third edition): new mutations and new routines for the software. Nucleic Acids Res. 1998 Jan 1;26(1):229-3. PMID: 9399842. Comeglio P et al. Detection of six novel FBN1 mutations in British patients affected by Marfan syndrome. Hum Mutat. 2001 Sep;18(3):251. PMID: 11524736. Damrauer SM et al. FBN1 Coding Variants and Nonsyndromic Aortic Disease. Circ Genom Precis Med. 2019 Jun;12(6):e002454. PMID: 31211626. Groth KA et al. Difficulties in diagnosing Marfan syndrome using current FBN1 databases. Genet Med. 2016 Jan;18(1):98-102. PMID: 25812041. Howarth R et al. Application of dHPLC for mutation detection of the fibrillin-1 gene for the diagnosis of Marfan syndrome in a National Health Service Laboratory. Genet Test. 2007 Summer;11(2):146-52. PMID: 17627385.

Blueprint Genetics
Classification: Likely benign. Last evaluated: 2024-07-09. Review status: criteria provided, single submitter. Criteria: ACMG Guidelines, 2015. Collection method: clinical testing. Allele origin: germline.

Color Diagnostics, LLC DBA Color Health
Classification: Likely benign for Familial thoracic aortic aneurysm and aortic dissection. Last evaluated: 2024-03-20. Review status: criteria provided, single submitter. Criteria: ACMG Guidelines, 2015. Collection method: clinical testing. Allele origin: germline.